The following is an entry in ClinVar:

NM_024420.3(PLA2G4A):c.1251G>A (p.Met417Ile)

Gene: PLA2G4A (phospholipase A2 group IVA; plus strand). Cytogenetic location: 1q31.1.
Variant type: single nucleotide variant.
Coding change: c.1251G>A on transcript NM_024420.3 (MANE Select); coding-DNA position 1251, G replaced by A.
Protein change: p.Met417Ile; replaces methionine 417 with isoleucine.
Molecular consequence: missense variant.
Genome position (GRCh38, 1-based): chr1:186,946,948, G>A. VCF-style: chr1-186946948-G-A. GRCh37 (hg19) VCF-style: chr1-186916080-G-A.
Other names: c.1071G>A, p.Met357Ile (NM_001311193.2); short protein forms M417I, M357I.
Identifiers: ClinVar variation 2987426 (VCV002987426.3), dbSNP rs1182299116, ClinGen allele CA343945541.

ClinVar aggregate classification (germline): Uncertain significance (1 of 4 stars; one submission).

Allele frequency attached by ClinVar (database versions not stated): gnomAD exomes below 0.00001; TOPMed below 0.00001.
gnomAD v4.1: 2 of 1,595,736 alleles (0.00013%); highest among the groups gnomAD compares: Admixed American, 0.0017%; no homozygotes.

Submission:

Labcorp Genetics (formerly Invitae), Labcorp
Classification: Uncertain significance. Last evaluated: 2025-11-17. Review status: criteria provided, single submitter. Criteria: Invitae Variant Classification Sherloc (09022015). Collection method: clinical testing. Allele origin: germline.
Comment: This sequence change replaces methionine, which is neutral and non-polar, with isoleucine, which is neutral and non-polar, at codon 417 of the PLA2G4A protein (p.Met417Ile). This variant is present in population databases (no rsID available, gnomAD 0.0009%). This variant has not been reported in the literature in individuals affected with PLA2G4A-related conditions. ClinVar contains an entry for this variant (Variation ID: 2987426). Invitae Evidence Modeling of protein sequence and biophysical properties (such as structural, functional, and spatial information, amino acid conservation, physicochemical variation, residue mobility, and thermodynamic stability) indicates that this missense variant is not expected to disrupt PLA2G4A protein function with a negative predictive value of 80%. In summary, the available evidence is currently insufficient to determine the role of this variant in disease. Therefore, it has been classified as a Variant of Uncertain Significance.